The following is an entry in ClinVar:

NM_052947.4(ALPK2):c.1586G>A (p.Arg529Lys)

Gene: ALPK2 (alpha kinase 2; minus strand). Cytogenetic location: 18q21.31.
Variant type: single nucleotide variant.
Coding change: c.1586G>A on transcript NM_052947.4 (MANE Select); coding-DNA position 1586, G replaced by A.
Protein change: p.Arg529Lys; replaces arginine 529 with lysine.
Molecular consequence: missense variant.
Genome position (GRCh38, 1-based): chr18:58,579,190, C>T on the plus strand (G>A on the coding strand, the complement: ALPK2 is on the minus strand). VCF-style: chr18-58579190-C-T. GRCh37 (hg19) VCF-style: chr18-56246422-C-T.
Other names: short protein forms R529K.
Identifiers: ClinVar variation 1775804 (VCV001775804.2), dbSNP rs373512950, ClinGen allele CA8977216.

ClinVar aggregate classification (germline): Uncertain significance (1 of 4 stars; one submission).

Allele frequency attached by ClinVar (database versions not stated): ExAC 0.00001; ESP Exome Variant Server 0.00008.
gnomAD v4.1: 1 of 1,614,108 alleles (0.000062%); highest among the groups gnomAD compares: Non-Finnish European, 0.000085%; no homozygotes.

Submission:

Ambry Genetics
Classification: Uncertain significance. Last evaluated: 2022-05-21. Review status: criteria provided, single submitter. Criteria: Ambry Variant Classification Scheme 2023. Collection method: clinical testing. Allele origin: germline.
Comment: The p.R529K variant (also known as c.1586G>A), located in coding exon 3 of the ALPK2 gene, results from a G to A substitution at nucleotide position 1586. The arginine at codon 529 is replaced by lysine, an amino acid with highly similar properties. This amino acid position is conserved. In addition, this alteration is predicted to be tolerated by in silico analysis. Since supporting evidence is limited at this time, the clinical significance of this alteration remains unclear.